The following is an entry in ClinVar:

ClinVar aggregate classification (germline): Pathogenic (1 of 4 stars; one submission).

Conditions:
Hereditary cancer-predisposing syndrome. Also called: Hereditary Cancer Syndrome; Neoplastic Syndromes, Hereditary; Hereditary neoplastic syndrome; Tumor predisposition. Identifiers: Orphanet 140162, MedGen C0027672, MeSH D009386, MONDO:0015356.

Submission:

Ambry Genetics
Classification: Pathogenic for Hereditary cancer-predisposing syndrome. Last evaluated: 2016-03-18. Review status: criteria provided, single submitter. Criteria: Ambry Variant Classification Scheme 2023. Collection method: clinical testing. Allele origin: germline.
Comment: The c.681delT pathogenic mutation, located in coding exon 7 of the RB1 gene, results from a deletion of one nucleotide at nucleotide position 681, causing a translational frameshift with a predicted alternate stop codon. Since frameshifts are typically deleterious in nature, this alteration is interpreted as a disease-causing mutation (ACMG Recommendations for Standards for Interpretation and Reporting of Sequence Variations. Revision 2007. Genet Med. 2008;10:294).

NM_000321.3(RB1):c.681del (p.Lys228fs)

Gene: RB1 (RB transcriptional corepressor 1; plus strand). Cytogenetic location: 13q14.2.
Variant type: Deletion.
Coding change: c.681del on transcript NM_000321.3 (MANE Select); coding-DNA position 681, one base deleted (T; older notation c.681delT).
Protein change: p.Lys228fs; shifts the reading frame from lysine 228.
Molecular consequence: frameshift variant.
Genome position (GRCh38, 1-based): chr13:48,360,090, T deleted; the last of 2 consecutive T bases (chr13:48,360,089-48,360,090); deleting either gives the same sequence. VCF-style (leftmost placement, unchanged base first): chr13-48360088-AT-A. GRCh37 (hg19) VCF-style: chr13-48934224-AT-A.
Other names: c.681delT (NM_000321.2); short protein forms K228fs.
Identifiers: ClinVar variation 428732 (VCV000428732.5), dbSNP rs1131690905, ClinGen allele CA645369533.